The following is an entry in ClinVar:

ClinVar aggregate classification (germline): Uncertain significance. Review status: criteria provided, multiple submitters, no conflicts (2 of 4 stars). 2 submissions from 2 submitters: Uncertain significance (2). Last evaluated 2025-12-01.

Conditions:
Holoprosencephaly sequence (HPE). Also called: Holoprosencephaly. Identifiers: Orphanet 2162, MedGen C0079541, MONDO:0016296, HP:0001360.

Allele frequency attached by ClinVar (database versions not stated): gnomAD below 0.00001 and 0.00001; TOPMed 0.00001; gnomAD exomes 0.00003; ExAC 0.00015.

Submissions (2):

Labcorp Genetics (formerly Invitae), Labcorp
Classification: Uncertain significance for Holoprosencephaly sequence. Last evaluated: 2025-12-01. Review status: criteria provided, single submitter. Criteria: Invitae Variant Classification Sherloc (09022015). Collection method: clinical testing. Allele origin: germline.
Comment: This sequence change replaces serine, which is neutral and polar, with asparagine, which is neutral and polar, at codon 5 of the FOXH1 protein (p.Ser5Asn). This variant is present in population databases (rs769160861, gnomAD 0.04%). This variant has not been reported in the literature in individuals affected with FOXH1-related conditions. ClinVar contains an entry for this variant (Variation ID: 393055). An algorithm developed to predict the effect of missense changes on protein structure and function outputs the following: PolyPhen-2: "Benign". The asparagine amino acid residue is found in multiple mammalian species, which suggests that this missense change does not adversely affect protein function. Algorithms developed to predict the effect of sequence changes on RNA splicing suggest that this variant may create or strengthen a splice site. In summary, the available evidence is currently insufficient to determine the role of this variant in disease. Therefore, it has been classified as a Variant of Uncertain Significance.

GeneDx
Classification: Uncertain significance. Last evaluated: 2017-01-20. Review status: criteria provided, single submitter. Criteria: GeneDx Variant Classification (06012015). Collection method: clinical testing. Allele origin: germline. Affected: yes.
Comment: A variant of uncertain significance has been identified in the FOXH1 gene. The S5N variant has not been published as pathogenic or been reported as benign to our knowledge. The S5N variant is not observed at a significant frequency in the Exome Aggregation Consortium (ExAC) data set (Lek et al., 2016). However, the S5N variant is a conservative amino acid substitution, which is not likely to impact secondary protein structure as these residues share similar properties. This substitution occurs at a position that is not conserved across species. Finally, in silico analysis suggests that this variant likely does not alter the protein structure/function.

NM_003923.3(FOXH1):c.14G>A (p.Ser5Asn)

Gene: FOXH1 (forkhead box H1; minus strand). Cytogenetic location: 8q24.3.
Variant type: single nucleotide variant.
Coding change: c.14G>A on transcript NM_003923.3 (MANE Select); coding-DNA position 14, G replaced by A.
Protein change: p.Ser5Asn; replaces serine 5 with asparagine.
Molecular consequence: missense variant.
Genome position (GRCh38, 1-based): chr8:144,475,743, C>T on the plus strand (G>A on the coding strand, the complement: FOXH1 is on the minus strand). VCF-style: chr8-144475743-C-T. GRCh37 (hg19) VCF-style: chr8-145701126-C-T.
Other names: short protein forms S5N.
Identifiers: ClinVar variation 393055 (VCV000393055.3), dbSNP rs769160861, ClinGen allele CA4945689.